The following is an entry in ClinVar:

NM_001242896.3(DEPDC5):c.1526G>T (p.Arg509Leu)

Gene: DEPDC5 (DEP domain containing 5, GATOR1 subcomplex subunit; plus strand). Cytogenetic location: 22q12.3.
Variant type: single nucleotide variant.
Coding change: c.1526G>T on transcript NM_001242896.3 (MANE Select); coding-DNA position 1526, G replaced by T.
Protein change: p.Arg509Leu; replaces arginine 509 with leucine.
Molecular consequence: missense variant. On other transcripts: non-coding transcript variant (5).
Genome position (GRCh38, 1-based): chr22:31,815,072, G>T. VCF-style: chr22-31815072-G-T. GRCh37 (hg19) VCF-style: chr22-32211058-G-T.
Other names: c.1526G>T, p.Arg509Leu (NM_001007188.4, NM_001136029.4, NM_001242897.2 and 7 more transcripts); c.1442G>T, p.Arg481Leu (NM_001369901.1, NM_001369902.1); short protein forms R509L, R481L.
Identifiers: ClinVar variation 1479132 (VCV001479132.8), dbSNP rs372489331, ClinGen allele CA10196399.

ClinVar aggregate classification (germline): Uncertain significance (1 of 4 stars; one submission).

Conditions:
Familial focal epilepsy with variable foci (FPEVF). Identifiers: Orphanet 98820, MedGen C1858477, MONDO:0020310.

gnomAD v4.1: 6 of 1,614,024 alleles (0.00037%); highest among the groups gnomAD compares: Admixed American, 0.0033%; no homozygotes.

Submission:

Labcorp Genetics (formerly Invitae), Labcorp
Classification: Uncertain significance for Familial focal epilepsy with variable foci. Last evaluated: 2025-08-06. Review status: criteria provided, single submitter. Criteria: Invitae Variant Classification Sherloc (09022015). Collection method: clinical testing. Allele origin: germline.
Comment: This sequence change replaces arginine, which is basic and polar, with leucine, which is neutral and non-polar, at codon 509 of the DEPDC5 protein (p.Arg509Leu). This variant is present in population databases (rs372489331, gnomAD 0.0009%). This missense change has been observed in individual(s) with clinical features of familial focal epilepsy with variable foci (PMID: 32086284). ClinVar contains an entry for this variant (Variation ID: 1479132). Experimental studies and prediction algorithms are not available or were not evaluated, and the functional significance of this variant is currently unknown. In summary, the available evidence is currently insufficient to determine the role of this variant in disease. Therefore, it has been classified as a Variant of Uncertain Significance.

Literature cited by the submitters: PubMed 32086284.